The following is an entry in ClinVar:

NM_001199107.2(TBC1D24):c.533C>T (p.Ser178Leu)

Gene: TBC1D24 (TBC1 domain family member 24; plus strand). Cytogenetic location: 16p13.3.
Variant type: single nucleotide variant.
Coding change: c.533C>T on transcript NM_001199107.2 (MANE Select); coding-DNA position 533, C replaced by T.
Protein change: p.Ser178Leu; replaces serine 178 with leucine.
Molecular consequence: missense variant.
Genome position (GRCh38, 1-based): chr16:2,496,681, C>T. VCF-style: chr16-2496681-C-T. GRCh37 (hg19) VCF-style: chr16-2546682-C-T.
Other names: c.533C>T, p.Ser178Leu (NM_020705.3); short protein forms S178L.
Identifiers: ClinVar variation 133246 (VCV000133246.45), dbSNP rs483352866, ClinGen allele CA156356.

ClinVar aggregate classification (germline): Pathogenic/Likely pathogenic. Review status: criteria provided, multiple submitters, no conflicts (2 of 4 stars). 8 submissions from 8 submitters: Pathogenic (2); Likely pathogenic (2). 4 of the submissions do not count toward it. Last evaluated 2025-03-05.

Conditions:
Developmental and epileptic encephalopathy, 1 (DEE1). Also called: X-linked infantile spasms; West's syndrome; Tonic spasms with clustering, arrest of psychomotor development and hypsarrhythmia on EEG; X-Linked Infantile Spasm Syndrome; OHTAHARA SYNDROME, X-LINKED; Epileptic encephalopathy, early infantile, 1. Identifiers: MedGen C3463992, MONDO:0010632, OMIM 308350. Disease mechanism: loss of function.
Autosomal dominant nonsyndromic hearing loss 65. Also called: Deafness, autosomal dominant 65; TBC1D24-Related Autosomal Dominant Nonsyndromic Hearing Loss (DFNA). Identifiers: Orphanet 90635, MedGen C3892048, MONDO:0014470, OMIM 616044.
Autosomal recessive nonsyndromic hearing loss 86 (DFNB86). Also called: Deafness , autosomal recessive 86; TBC1D24-Related Autosomal Recessive Nonsyndromic Hearing Loss (DFNB). Identifiers: Orphanet 90636, MedGen C2829265, MONDO:0013826, OMIM 614617.
DOORS syndrome (DOORS). Also called: DRC SYNDROME; BRACHYDACTYLY DUE TO ABSENCE OF DISTAL PHALANGES; ERONEN SYNDROME; DOORS Syndrome (Deafness, Onychodystrophy, Osteodystrophy, Mental Retardation, and Seizures); Digitorenocerebral syndrome; DOOR SYNDROME. Identifiers: Orphanet 3231, Orphanet 79500, MedGen C0795934, MONDO:0009079, OMIM 220500. Disease mechanism: loss of function.

Allele frequency attached by ClinVar (database versions not stated): ExAC 0.00002; gnomAD exomes 0.00001.
gnomAD v4.1: 3 of 1,613,298 alleles (0.00019%); highest among the groups gnomAD compares: Non-Finnish European, 0.00025%; no homozygotes.

Submissions (8):

GeneDx
Classification: Likely pathogenic. Last evaluated: 2025-03-05. Review status: criteria provided, single submitter. Criteria: GeneDx Variant Classification Process June 2021. Collection method: clinical testing. Allele origin: germline. Affected: yes.
Comment: Functional studies and animal models are inconclusive as to whether the variant alters protein structure and function (PMID: 39400345, 39586506, 32987832); Not observed at significant frequency in large population cohorts (gnomAD); In silico analysis indicates that this missense variant does not alter protein structure/function; This variant is associated with the following publications: (PMID: 26371875, 28428906, 25169651, 34426522, 39586506, 39400345, 32987832, 38413761, 38640279, 24729547, 24729539, 33986365, Spedicati[article]2021)

Labcorp Genetics (formerly Invitae), Labcorp
Classification: Pathogenic for Developmental and epileptic encephalopathy, 1; Autosomal dominant nonsyndromic hearing loss 65. Last evaluated: 2023-01-22. Review status: criteria provided, single submitter. Criteria: Invitae Variant Classification Sherloc (09022015). Collection method: clinical testing. Allele origin: germline.
Comment: For these reasons, this variant has been classified as Pathogenic. Advanced modeling of protein sequence and biophysical properties (such as structural, functional, and spatial information, amino acid conservation, physicochemical variation, residue mobility, and thermodynamic stability) performed at Invitae indicates that this missense variant is not expected to disrupt TBC1D24 protein function. ClinVar contains an entry for this variant (Variation ID: 133246). This missense change has been observed in individuals with autosomal dominant non-syndromic deafness (PMID: 24729539, 24729547, 33986365). It has also been observed to segregate with disease in related individuals. This variant is present in population databases (rs483352866, gnomAD 0.002%). This sequence change replaces serine, which is neutral and polar, with leucine, which is neutral and non-polar, at codon 178 of the TBC1D24 protein (p.Ser178Leu).

CeGaT Center for Human Genetics Tuebingen
Classification: Pathogenic. Last evaluated: 2018-08-01. Review status: criteria provided, single submitter. Criteria: CeGaT Center For Human Genetics Tuebingen Variant Classification Criteria Version 2. Collection method: clinical testing. Allele origin: germline. Affected: yes. Observed: 2 variant alleles.

Precision Medicine Center, Zhengzhou University
Classification: Likely pathogenic for Autosomal dominant nonsyndromic hearing loss 65. Last evaluated: 2006-06-30. Review status: criteria provided, single submitter. Criteria: ClinGen HL ACMG Specifications v1. Collection method: clinical testing. Allele origin: maternal. Affected: yes.
Comment: PP1_strong+PM2+PS4_supporting: The TBC1D24 c.533C>T variant is absent or extremely rare in population databases (PM2). It demonstrates strong co-segregation with disease in affected family members (PMID: 24729539)(PP1_Strong) and has been observed in multiple unrelated affected individuals with TBC1D24-related disorders (PMID: 33986365,24729539)(PS4_supporting). According to the ACMG/AMP guidelines, this variant is classified as Likely Pathogenic.

Division of Medical Genetics; Sainte-Justine Hospital
Classification: Pathogenic for DFNA65. Last evaluated: 2014-12-22. Review status: no assertion criteria provided. Collection method: literature only. Allele origin: germline. Affected: yes. Not counted in ClinVar's aggregate classification.

OMIM
Classification: Pathogenic for DEAFNESS, AUTOSOMAL DOMINANT 65. Last evaluated: 2014-07-01. Review status: no assertion criteria provided. Collection method: literature only. Allele origin: germline. Not counted in ClinVar's aggregate classification.

GeneReviews
No classification provided. Condition: DOORS syndrome. Review status: no classification provided. Collection method: literature only. Allele origin: germline. Not counted in ClinVar's aggregate classification.

Molecular Biology of Hearing and Deafness Laboratory, Xinhua Hospital
No classification provided. Condition: Deafness, autosomal recessive 86. Review status: no classification provided. Collection method: not provided. Allele origin: germline. Not counted in ClinVar's aggregate classification.
Comment: This mutation was identified in a dominant family segregated with late-onset, progressive, non-syndromic hearing impairment. Linkage analysis revealed a 2.07 Mb candidate region on chromosome 16p13.3 that contains the TBC1D24 gene. Whole-exome sequencing identified a heterozygous c.533C>T (p.Ser178Leu) variant of TBC1D24 as the only candidate mutation segregating with the hearing impairment within the family.

Literature cited by the submitters: PubMed 24729539 (cited by 3 submitters); PubMed 24729547 (cited by Labcorp Genetics (formerly Invitae), Labcorp and OMIM); PubMed 33986365 (cited by Labcorp Genetics (formerly Invitae), Labcorp and Precision Medicine Center, Zhengzhou University); NCBI Bookshelf NBK274566 (cited by GeneReviews).